The following is an entry in ClinVar:

ClinVar aggregate classification (germline): Uncertain significance (1 of 4 stars; one submission).

Allele frequency attached by ClinVar (database versions not stated): ExAC 0.00003; gnomAD 0.00003; gnomAD exomes 0.00006.
gnomAD v4.1: 91 of 1,610,220 alleles (0.0057%); highest among the groups gnomAD compares: Non-Finnish European, 0.0074%; no homozygotes.

Submission:

Ambry Genetics
Classification: Uncertain significance. Last evaluated: 2023-10-28. Review status: criteria provided, single submitter. Criteria: Ambry Variant Classification Scheme 2023. Collection method: clinical testing. Allele origin: germline.
Comment: The p.T461S variant (also known as c.1381A>T), located in coding exon 9 of the POLQ gene, results from an A to T substitution at nucleotide position 1381. The threonine at codon 461 is replaced by serine, an amino acid with similar properties. This amino acid position is conserved. In addition, this alteration is predicted to be tolerated by in silico analysis. Since supporting evidence is limited at this time, the clinical significance of this alteration remains unclear.

NM_199420.4(POLQ):c.1381A>T (p.Thr461Ser)

Gene: POLQ (DNA polymerase theta; minus strand). Cytogenetic location: 3q13.33.
Variant type: single nucleotide variant.
Coding change: c.1381A>T on transcript NM_199420.4 (MANE Select); coding-DNA position 1381, A replaced by T.
Protein change: p.Thr461Ser; replaces threonine 461 with serine.
Molecular consequence: missense variant.
Genome position (GRCh38, 1-based): chr3:121,519,958, T>A on the plus strand (A>T on the coding strand, the complement: POLQ is on the minus strand). VCF-style: chr3-121519958-T-A. GRCh37 (hg19) VCF-style: chr3-121238805-T-A.
Other names: short protein forms T461S.
Identifiers: ClinVar variation 1771291 (VCV001771291.2), dbSNP rs752800805, ClinGen allele CA2563553.